The following is an entry in ClinVar:

NM_022489.4(INF2):c.317G>C (p.Arg106Pro)

Gene: INF2 (inverted formin 2; plus strand). Cytogenetic location: 14q32.33.
Variant type: single nucleotide variant.
Coding change: c.317G>C on transcript NM_022489.4 (MANE Select); coding-DNA position 317, G replaced by C.
Protein change: p.Arg106Pro; replaces arginine 106 with proline.
Molecular consequence: missense variant.
Genome position (GRCh38, 1-based): chr14:104,701,682, G>C. VCF-style: chr14-104701682-G-C. GRCh37 (hg19) VCF-style: chr14-105168019-G-C.
Other names: c.317G>C, p.Arg106Pro (NM_001031714.4, NM_032714.3); short protein forms R106P.
Identifiers: ClinVar variation 637701 (VCV000637701.3), dbSNP rs1595164070, ClinGen allele CA391225865.

ClinVar aggregate classification (germline): Likely pathogenic. Review status: criteria provided, single submitter (1 of 4 stars). 2 submissions from 2 submitters: Likely pathogenic (1). 1 of the submissions does not count toward it. Last evaluated 2024-12-23.

Conditions:
Charcot-Marie-Tooth disease. Also called: Charcot-Marie-Tooth Hereditary Neuropathy; Charcot-Marie-Tooth Neuropathy. Identifiers: Orphanet 166, MedGen C0007959, MONDO:0015626.

Submissions (2):

Dasa
Classification: Likely pathogenic. Last evaluated: 2024-12-23. Review status: criteria provided, single submitter. Criteria: DASA Assertion Criteria. Collection method: clinical testing. Allele origin: germline.
Comment: NM_022489.4(INF2):c.317G>C (p.Arg106Pro) is a missense variant that results in the substitution of arginine with proline. This variant has been recurrently observed in individuals with INF2-related disorders (PMID: 22187985; PMID: 25165188). De novo occurrence has been reported in an individual with INF2-related disorders. Also, this variant is absent from population databases. Computational evidence supports a deleterious effect. Based on the currently available evidence, this variant is classified as likely pathogenic.

Inherited Neuropathy Consortium
Classification: Uncertain significance for Charcot-Marie-Tooth disease. Review status: no assertion criteria provided. Collection method: literature only. Allele origin: germline. Affected: yes. Not counted in ClinVar's aggregate classification.

Literature cited by the submitters: PubMed 22187985 (cited by Dasa and Inherited Neuropathy Consortium); PubMed 25165188 (cited by Dasa).